The following is an entry in ClinVar:

NM_001042492.3(NF1):c.2981del (p.Asn994fs)

Gene: NF1 (neurofibromin 1; plus strand). Cytogenetic location: 17q11.2.
Variant type: Deletion.
Coding change: c.2981del on transcript NM_001042492.3 (MANE Select); coding-DNA position 2981, one base deleted (A; older notation c.2981delA).
Protein change: p.Asn994fs; shifts the reading frame from asparagine 994.
Molecular consequence: frameshift variant.
Genome position (GRCh38, 1-based): chr17:31,229,965, A deleted; the last of 3 consecutive A bases (chr17:31,229,963-31,229,965); deleting any one gives the same sequence. VCF-style (leftmost placement, unchanged base first): chr17-31229962-TA-T. GRCh37 (hg19) VCF-style: chr17-29556980-TA-T.
Other names: c.2981delA, p.Asn994Ilefs (NM_000267.4); short protein forms N994fs.
Identifiers: ClinVar variation 3723010 (VCV003723010.2).

ClinVar aggregate classification (germline): Pathogenic (1 of 4 stars; one submission).

Conditions:
Neurofibromatosis, type 1 (NF1). Also called: VON RECKLINGHAUSEN DISEASE; NEUROFIBROMATOSIS, TYPE I, SOMATIC; Peripheral type neurofibromatosis; Neurofibromatosis, type I. Identifiers: Orphanet 636, MedGen C0027831, MONDO:0018975, OMIM 162200. Disease mechanism: loss of function.

Submission:

Labcorp Genetics (formerly Invitae), Labcorp
Classification: Pathogenic for Neurofibromatosis, type 1. Last evaluated: 2024-10-16. Review status: criteria provided, single submitter. Criteria: Invitae Variant Classification Sherloc (09022015). Collection method: clinical testing. Allele origin: germline.
Comment: This sequence change creates a premature translational stop signal (p.Asn994Ilefs*18) in the NF1 gene. It is expected to result in an absent or disrupted protein product. Loss-of-function variants in NF1 are known to be pathogenic (PMID: 10712197, 23913538). This variant is not present in population databases (gnomAD no frequency). This variant has not been reported in the literature in individuals affected with NF1-related conditions. For these reasons, this variant has been classified as Pathogenic.

Literature cited by the submitters: PubMed 10712197; PubMed 23913538.